The following is an entry in ClinVar:

ClinVar aggregate classification (germline): Benign/Likely benign. Review status: criteria provided, multiple submitters, no conflicts (2 of 4 stars). 9 submissions from 9 submitters: Benign (8); Likely benign (1). Last evaluated 2026-02-04.

Conditions:
Pancytopenia due to IKZF1 mutations. Also called: Immunodeficiency, common variable, 13. Identifiers: Orphanet 317473, MedGen C4225173, MONDO:0014810, OMIM 616873.

Allele frequency attached by ClinVar (database versions not stated): 1000 Genomes Project 0.14896; 1000 Genomes Project 30x 0.15162; ESP Exome Variant Server 0.15700; gnomAD 0.16192 and 0.16232; TOPMed 0.16408; gnomAD exomes 0.18246; ExAC 0.23766.

Submissions (9):

Labcorp Genetics (formerly Invitae), Labcorp
Classification: Benign. Last evaluated: 2026-02-04. Review status: criteria provided, single submitter. Criteria: Invitae Variant Classification Sherloc (09022015). Collection method: clinical testing. Allele origin: germline.

Women's Health and Genetics/Laboratory Corporation of America, LabCorp
Classification: Benign. Last evaluated: 2026-01-21. Review status: criteria provided, single submitter. Criteria: LabCorp Variant Classification Summary - May 2015. Collection method: clinical testing. Allele origin: germline.

ARUP Laboratories, Molecular Genetics and Genomics, ARUP Laboratories
Classification: Benign for Pancytopenia due to IKZF1 mutations. Last evaluated: 2025-07-03. Review status: criteria provided, single submitter. Criteria: ARUP Molecular Germline Variant Investigation Process 2024. Collection method: clinical testing. Allele origin: germline.

Blueprint Genetics
Classification: Likely benign. Last evaluated: 2024-11-27. Review status: criteria provided, single submitter. Criteria: ACMG Guidelines, 2015. Collection method: clinical testing. Allele origin: germline.

Unidad de Genómica Garrahan, Hospital de Pediatría Garrahan
Classification: Benign. Last evaluated: 2023-11-12. Review status: criteria provided, single submitter. Criteria: ACMG Guidelines, 2015. Collection method: clinical testing. Allele origin: germline. Affected: no. Observed: 33 variant alleles.
Comment: This variant is classified as Benign based on local population frequency. This variant was detected in 34% of patients studied by a panel of primary immunodeficiencies. Number of patients: 33. Only high quality variants are reported.

Genome-Nilou Lab
Classification: Benign for Pancytopenia due to IKZF1 mutations. Last evaluated: 2021-08-10. Review status: criteria provided, single submitter. Criteria: ACMG Guidelines, 2015. Collection method: clinical testing. Allele origin: germline. Affected: no.

GeneDx
Classification: Benign. Last evaluated: 2019-06-14. Review status: criteria provided, single submitter. Criteria: GeneDx Variant Classification Process June 2021. Collection method: clinical testing. Allele origin: germline. Affected: yes.

Mayo Clinic Laboratories, Mayo Clinic
Classification: Benign. Last evaluated: 2016-09-30. Review status: criteria provided, single submitter. Criteria: ACMG Guidelines, 2015. Collection method: clinical testing. Allele origin: germline. Observed: 53 variant alleles.

Breakthrough Genomics
Classification: Benign. Review status: criteria provided, single submitter. Criteria: ACMG Guidelines, 2015. Collection method: not provided. Allele origin: germline. Inheritance: Autosomal dominant inheritance. Affected: yes.

Literature cited by the submitters: PubMed 26202931 (cited by Women's Health and Genetics/Laboratory Corporation of America, LabCorp); PubMed 22868967 (cited by Women's Health and Genetics/Laboratory Corporation of America, LabCorp); PubMed 22699455 (cited by Women's Health and Genetics/Laboratory Corporation of America, LabCorp); PubMed 19129520 (cited by Women's Health and Genetics/Laboratory Corporation of America, LabCorp); PubMed 10463586 (cited by Women's Health and Genetics/Laboratory Corporation of America, LabCorp); PubMed 7585946 (cited by Women's Health and Genetics/Laboratory Corporation of America, LabCorp); PubMed 27067989 (cited by Women's Health and Genetics/Laboratory Corporation of America, LabCorp); PubMed 27815723 (cited by Women's Health and Genetics/Laboratory Corporation of America, LabCorp); PubMed 8986714 (cited by Women's Health and Genetics/Laboratory Corporation of America, LabCorp).

NM_006060.6(IKZF1):c.1002C>A (p.Pro334=)

Gene: IKZF1 (IKAROS family zinc finger 1; plus strand). Cytogenetic location: 7p12.2.
Variant type: single nucleotide variant.
Coding change: c.1002C>A on transcript NM_006060.6 (MANE Select); coding-DNA position 1002, C replaced by A.
Protein change: p.Pro334=; no amino-acid change (proline 334 retained).
Molecular consequence: synonymous variant.
Genome position (GRCh38, 1-based): chr7:50,400,069, C>A. VCF-style: chr7-50400069-C-A. GRCh37 (hg19) VCF-style: chr7-50467767-C-A.
Other names: p.Pro334=; c.876C>A, p.Pro292= (NM_001220765.3, NM_001291837.2); c.711C>A, p.Pro237= (NM_001220767.2); c.741C>A, p.Pro247= (NM_001220768.2, NM_001291838.2); c.585C>A, p.Pro195= (NM_001220770.2); c.573C>A, p.Pro191= (NM_001220771.2, NM_001291841.1); c.615C>A, p.Pro205= (NM_001291839.2); c.312C>A, p.Pro104= (NM_001291840.1); and 3 more.
Identifiers: ClinVar variation 1270220 (VCV001270220.15), dbSNP rs61731355, ClinGen allele CA4261444.